The following is an entry in ClinVar:

NM_001374828.1(ARID1B):c.4285A>G (p.Met1429Val)

Gene: ARID1B (AT-rich interaction domain 1B; plus strand). Cytogenetic location: 6q25.3.
Variant type: single nucleotide variant.
Coding change: c.4285A>G on transcript NM_001374828.1 (MANE Select); coding-DNA position 4285, A replaced by G.
Protein change: p.Met1429Val; replaces methionine 1429 with valine.
Molecular consequence: missense variant.
Genome position (GRCh38, 1-based): chr6:157,196,218, A>G. VCF-style: chr6-157196218-A-G. GRCh37 (hg19) VCF-style: chr6-157517352-A-G.
Other names: c.1786A>G, p.Met596Val (NM_001363725.2); c.4165A>G, p.Met1389Val (NM_001371656.1, NM_001374820.1); c.4126A>G, p.Met1376Val (NM_017519.3); short protein forms M1376V, M1429V, M596V, M1389V.
Identifiers: ClinVar variation 1508118 (VCV001508118.6), dbSNP rs761809331, ClinGen allele CA4067586.
Genomic context (GRCh38, chr6:157,196,218, plus strand): 5'-ATTGCAGTGCCTGGAAGCAGCGAGCCCTTTATGACGCAAGGACAGATGCCCAACAGCAGC[A>G]TGCAGGACATGTACAACCAAAGTCCCTCCGGAGCAATGTCTAACCTGGGCATGGGGCAGC-3'
Protein context (NP_001361757.1, residues 1419-1439): MTQGQMPNSS[Met1429Val]QDMYNQSPSG

ClinVar aggregate classification (germline): Uncertain significance (1 of 4 stars; one submission).

Allele frequency attached by ClinVar (database versions not stated): gnomAD exomes below 0.00001; ExAC 0.00001.

Submission:

Labcorp Genetics (formerly Invitae), Labcorp
Classification: Uncertain significance. Last evaluated: 2023-12-20. Review status: criteria provided, single submitter. Criteria: Invitae Variant Classification Sherloc (09022015). Collection method: clinical testing. Allele origin: germline.
Comment: This sequence change replaces methionine, which is neutral and non-polar, with valine, which is neutral and non-polar, at codon 1306 of the ARID1B protein (p.Met1306Val). This variant is present in population databases (rs761809331, gnomAD 0.003%). This variant has not been reported in the literature in individuals affected with ARID1B-related conditions. ClinVar contains an entry for this variant (Variation ID: 1508118). Algorithms developed to predict the effect of missense changes on protein structure and function output the following: SIFT: "Not Available"; PolyPhen-2: "Benign"; Align-GVGD: "Not Available". The valine amino acid residue is found in multiple mammalian species, which suggests that this missense change does not adversely affect protein function. In summary, the available evidence is currently insufficient to determine the role of this variant in disease. Therefore, it has been classified as a Variant of Uncertain Significance.